The following is an entry in ClinVar:

ClinVar aggregate classification (germline): Uncertain significance. Review status: criteria provided, multiple submitters, no conflicts (2 of 4 stars). 2 submissions from 2 submitters: Uncertain significance (2). Last evaluated 2025-08-08.

Conditions:
Martsolf syndrome (MARTS). Also called: Congenital cataract with intellectual disability and hypogonadotropic hypogonadism syndrome. Identifiers: Orphanet 1387, MedGen C0796037, MONDO:0023910.
Warburg micro syndrome 2 (WARBM2). Also called: MICRO SYNDROME 2. Identifiers: Orphanet 2510, MedGen C3280214, MONDO:0013641, OMIM 614225.
Inborn genetic diseases. Identifiers: MedGen C0950123, MeSH D030342.

Allele frequency attached by ClinVar (database versions not stated): ESP Exome Variant Server 0.00015; ExAC 0.00002.
gnomAD v4.1: 11 of 1,603,824 alleles (0.00069%); highest among the groups gnomAD compares: African/African-American, 0.013%; no homozygotes.

Submissions (2):

Ambry Genetics
Classification: Uncertain significance for Inborn genetic diseases. Last evaluated: 2025-08-08. Review status: criteria provided, single submitter. Criteria: Ambry Variant Classification Scheme 2023. Collection method: clinical testing. Allele origin: germline.

Labcorp Genetics (formerly Invitae), Labcorp
Classification: Uncertain significance for Martsolf syndrome; Warburg micro syndrome 2. Last evaluated: 2023-08-14. Review status: criteria provided, single submitter. Criteria: Invitae Variant Classification Sherloc (09022015). Collection method: clinical testing. Allele origin: germline.
Comment: This sequence change replaces arginine, which is basic and polar, with leucine, which is neutral and non-polar, at codon 1086 of the RAB3GAP2 protein (p.Arg1086Leu). In summary, the available evidence is currently insufficient to determine the role of this variant in disease. Therefore, it has been classified as a Variant of Uncertain Significance. Advanced modeling of protein sequence and biophysical properties (such as structural, functional, and spatial information, amino acid conservation, physicochemical variation, residue mobility, and thermodynamic stability) performed at Invitae indicates that this missense variant is not expected to disrupt RAB3GAP2 protein function. This variant has not been reported in the literature in individuals affected with RAB3GAP2-related conditions. This variant is present in population databases (rs375108658, gnomAD 0.02%).

NM_012414.4(RAB3GAP2):c.3257G>T (p.Arg1086Leu)

Gene: RAB3GAP2 (RAB3 GTPase activating non-catalytic protein subunit 2; minus strand). Cytogenetic location: 1q41.
Variant type: single nucleotide variant.
Coding change: c.3257G>T on transcript NM_012414.4 (MANE Select); coding-DNA position 3257, G replaced by T.
Protein change: p.Arg1086Leu; replaces arginine 1086 with leucine.
Molecular consequence: missense variant.
Genome position (GRCh38, 1-based): chr1:220,159,390, C>A on the plus strand (G>T on the coding strand, the complement: RAB3GAP2 is on the minus strand). VCF-style: chr1-220159390-C-A. GRCh37 (hg19) VCF-style: chr1-220332732-C-A.
Other names: c.3257G>T (NM_012414.3); short protein forms R1086L.
Identifiers: ClinVar variation 2951925 (VCV002951925.4), dbSNP rs375108658, ClinGen allele CA1402182.